The following is an entry in ClinVar:

ClinVar aggregate classification (germline): Pathogenic/Likely pathogenic. Review status: criteria provided, multiple submitters, no conflicts (2 of 4 stars). 3 submissions from 3 submitters: Pathogenic (1); Likely pathogenic (1). 1 of the submissions does not count toward it. Last evaluated 2023-02-14.

Conditions:
Ataxia-telangiectasia-like disorder (ATLD). Identifiers: MedGen C1858391, MONDO:0011457.
Ataxia-telangiectasia-like disorder 1 (ATLD1). Identifiers: Orphanet 251347, MedGen C4012790, MONDO:0024557, OMIM 604391.
Breast carcinoma. Also called: Carcinoma of breast. Identifiers: MedGen C0678222, MONDO:0004989, HP:0003002.

Submissions (3):

Labcorp Genetics (formerly Invitae), Labcorp
Classification: Pathogenic for Ataxia-telangiectasia-like disorder. Last evaluated: 2023-02-14. Review status: criteria provided, single submitter. Criteria: Invitae Variant Classification Sherloc (09022015). Collection method: clinical testing. Allele origin: germline.
Comment: This premature translational stop signal has been observed in individual(s) with MRE11-related conditions (PMID: 32658311). This sequence change creates a premature translational stop signal (p.Val367Glyfs*5) in the MRE11 gene. It is expected to result in an absent or disrupted protein product. Loss-of-function variants in MRE11 are known to be pathogenic (PMID: 23080121, 23912341). This variant is not present in population databases (gnomAD no frequency). ClinVar contains an entry for this variant (Variation ID: 1260482). For these reasons, this variant has been classified as Pathogenic.

Baylor Genetics
Classification: Likely pathogenic for Ataxia-telangiectasia-like disorder 1. Last evaluated: 2022-12-02. Review status: criteria provided, single submitter. Criteria: ACMG Guidelines, 2015. Collection method: clinical testing. Allele origin: unknown.

Medical Genetics Laboratory, Umraniye Training and Research Hospital, University of Health Sciences
Classification: Likely pathogenic for Breast carcinoma. Review status: no assertion criteria provided. Collection method: clinical testing. Allele origin: germline. Inheritance: Autosomal dominant inheritance. Affected: yes. Not counted in ClinVar's aggregate classification.

Literature cited by the submitters: PubMed 32658311 (cited by Labcorp Genetics (formerly Invitae), Labcorp); PubMed 23080121 (cited by Labcorp Genetics (formerly Invitae), Labcorp); PubMed 23912341 (cited by Labcorp Genetics (formerly Invitae), Labcorp).

NM_005591.4(MRE11):c.1100_1131del (p.Val367fs)

Gene: MRE11 (MRE11 double strand break repair nuclease; minus strand). Cytogenetic location: 11q21.
Variant type: Deletion.
Coding change: c.1100_1131del on transcript NM_005591.4 (MANE Select); coding-DNA positions 1100 to 1131, 32 bases deleted.
Protein change: p.Val367fs; shifts the reading frame from valine 367.
Molecular consequence: frameshift variant.
Genome position (GRCh38, 1-based): chr11:94,464,207-94,464,238, 32 bases deleted. GRCh37 (hg19): chr11:94,197,373-94,197,404.
Other names: c.1100_1131del, p.Val367fs (NM_001330347.2, NM_005590.4); short protein forms V367fs.
Identifiers: ClinVar variation 1260482 (VCV001260482.5), dbSNP rs1946499901, ClinGen allele CA1992468978.